The following is an entry in ClinVar:

ClinVar aggregate classification (germline): Uncertain significance. Review status: criteria provided, multiple submitters, no conflicts (2 of 4 stars). 3 submissions from 3 submitters: Uncertain significance (3). Last evaluated 2025-04-23.

Conditions:
SDCCAG8-related disorder. Also called: SDCCAG8-Related Disorders; SDCCAG8-related condition.
Bardet-Biedl syndrome 16 (BBS16). Identifiers: Orphanet 110, MedGen C3889474, MONDO:0014444, OMIM 615993.
Senior-Loken syndrome 7 (SLSN7). Identifiers: Orphanet 3156, MedGen C3150877, MONDO:0013326, OMIM 613615.

Allele frequency attached by ClinVar (database versions not stated): gnomAD exomes below 0.00001; gnomAD 0.00001; TOPMed 0.00001.
gnomAD v4.1: 4 of 1,613,716 alleles (0.00025%); highest among the groups gnomAD compares: Non-Finnish European, 0.00034%; no homozygotes.

Submissions (3):

PreventionGenetics, part of Exact Sciences
Classification: Uncertain significance for SDCCAG8-related condition. Last evaluated: 2025-04-23. Review status: criteria provided, single submitter. Criteria: ACMG Guidelines, 2015. Collection method: clinical testing. Allele origin: germline.
Comment: The SDCCAG8 c.1642A>C variant is predicted to result in the amino acid substitution p.Ser548Arg. To our knowledge, this variant has not been reported in the literature. This variant is reported in 0.00088% of alleles in individuals of European (Non-Finnish) descent in gnomAD. At this time, the clinical significance of this variant is uncertain due to the absence of conclusive functional and genetic evidence.

Fulgent Genetics
Classification: Uncertain significance for Senior-Loken syndrome 7; Bardet-Biedl syndrome 16. Last evaluated: 2021-12-27. Review status: criteria provided, single submitter. Criteria: ACMG Guidelines, 2015. Collection method: clinical testing. Allele origin: unknown.

Labcorp Genetics (formerly Invitae), Labcorp
Classification: Uncertain significance for Bardet-Biedl syndrome 16; Senior-Loken syndrome 7. Last evaluated: 2021-02-22. Review status: criteria provided, single submitter. Criteria: Invitae Variant Classification Sherloc (09022015). Collection method: clinical testing. Allele origin: germline.
Comment: This variant has not been reported in the literature in individuals with SDCCAG8-related conditions. This variant is not present in population databases (ExAC no frequency). This sequence change replaces serine with arginine at codon 548 of the SDCCAG8 protein (p.Ser548Arg). The serine residue is moderately conserved and there is a moderate physicochemical difference between serine and arginine. Algorithms developed to predict the effect of missense changes on protein structure and function output the following: SIFT: "Tolerated"; PolyPhen-2: "Benign"; Align-GVGD: "Class C0". The arginine amino acid residue is found in multiple mammalian species, suggesting that this missense change does not adversely affect protein function. These predictions have not been confirmed by published functional studies and their clinical significance is uncertain. In summary, the available evidence is currently insufficient to determine the role of this variant in disease. Therefore, it has been classified as a Variant of Uncertain Significance.

NM_006642.5(SDCCAG8):c.1642A>C (p.Ser548Arg)

Gene: SDCCAG8 (SHH signaling and ciliogenesis regulator SDCCAG8; plus strand). Cytogenetic location: 1q43.
Variant type: single nucleotide variant.
Coding change: c.1642A>C on transcript NM_006642.5 (MANE Select); coding-DNA position 1642, A replaced by C.
Protein change: p.Ser548Arg; replaces serine 548 with arginine.
Molecular consequence: missense variant.
Genome position (GRCh38, 1-based): chr1:243,415,727, A>C. VCF-style: chr1-243415727-A-C. GRCh37 (hg19) VCF-style: chr1-243579029-A-C.
Other names: c.739A>C, p.Ser247Arg (NM_001350246.2, NM_001350247.2, NM_001350251.2); c.1738A>C, p.Ser580Arg (NM_001350248.2); c.1348A>C, p.Ser450Arg (NM_001350249.2); c.1642A>C (NM_006642.3); short protein forms S247R, S450R, S548R, S580R.
Identifiers: ClinVar variation 1059128 (VCV001059128.11), dbSNP rs1388276184, ClinGen allele CA345667123.